The following is an entry in ClinVar:

NM_015909.4(NBAS):c.2018+2T>C

Gene: NBAS (NBAS subunit of NRZ tethering complex; minus strand). Cytogenetic location: 2p24.3.
Variant type: single nucleotide variant.
Coding change: c.2018+2T>C on transcript NM_015909.4 (MANE Select); the canonical splice donor site of the intron after coding-DNA position 2018, T replaced by C.
Molecular consequence: splice donor variant.
Genome position (GRCh38, 1-based): chr2:15,467,662, A>G on the plus strand (T>C on the coding strand, the complement: NBAS is on the minus strand). VCF-style: chr2-15467662-A-G. GRCh37 (hg19) VCF-style: chr2-15607786-A-G.
Identifiers: ClinVar variation 1507829 (VCV001507829.8), dbSNP rs138322590, ClinGen allele CA1536496.

ClinVar aggregate classification (germline): Likely pathogenic (1 of 4 stars; one submission).

Allele frequency attached by ClinVar (database versions not stated): gnomAD exomes below 0.00001 and 0.00001; ExAC 0.00002; gnomAD 0.00002; TOPMed 0.00002; ESP Exome Variant Server 0.00015.
gnomAD v4.1: 4 of 1,611,372 alleles (0.00025%); highest among the groups gnomAD compares: African/African-American, 0.004%; no homozygotes.

Submission:

Labcorp Genetics (formerly Invitae), Labcorp
Classification: Likely pathogenic. Last evaluated: 2022-02-10. Review status: criteria provided, single submitter. Criteria: Invitae Variant Classification Sherloc (09022015). Collection method: clinical testing. Allele origin: germline.
Comment: Algorithms developed to predict the effect of sequence changes on RNA splicing suggest that this variant may disrupt the consensus splice site. In summary, the currently available evidence indicates that the variant is pathogenic, but additional data are needed to prove that conclusively. Therefore, this variant has been classified as Likely Pathogenic. This variant has not been reported in the literature in individuals affected with NBAS-related conditions. This variant is present in population databases (rs138322590, gnomAD 0.01%). This sequence change affects a donor splice site in intron 18 of the NBAS gene. It is expected to disrupt RNA splicing. Variants that disrupt the donor or acceptor splice site typically lead to a loss of protein function (PMID: 16199547), and loss-of-function variants in NBAS are known to be pathogenic (PMID: 26073778, 26541327, 27789416, 28031453).

Literature cited by the submitters: PubMed 16199547; PubMed 26073778; PubMed 26541327; PubMed 27789416; PubMed 28031453.